The following is an entry in ClinVar:

ClinVar aggregate classification (germline): Conflicting classifications of pathogenicity. Review status: criteria provided, conflicting classifications (1 of 4 stars). 8 submissions from 7 submitters: Uncertain significance (5); Benign (1); Likely benign (1). 1 of the submissions does not count toward it. Last evaluated 2025-12-19.

Conditions:
NOTCH1-related disorder. Also called: NOTCH1-related disorders; NOTCH1-related condition.
Adams-Oliver syndrome 5 (AOS5). Identifiers: Orphanet 974, MedGen C4014970, MONDO:0014459, OMIM 616028.
Familial thoracic aortic aneurysm and aortic dissection (TAAD). Also called: Thoracic aortic aneurysms and dissections. Identifiers: Orphanet 91387, MedGen C4707243, MONDO:0019625.
Aortic valve disease 1 (AOVD1). Identifiers: MedGen C3887892, MONDO:0024523, OMIM 109730.

Allele frequency attached by ClinVar (database versions not stated): ExAC 0.00003; gnomAD exomes 0.00005 and 0.00008; gnomAD 0.00015 and 0.00017; TOPMed 0.00021.
gnomAD v4.1: 138 of 1,605,648 alleles (0.0086%); highest among the groups gnomAD compares: African/African-American, 0.045%; no homozygotes.

Submissions (8):

Labcorp Genetics (formerly Invitae), Labcorp
Classification: Likely benign for Adams-Oliver syndrome 5. Last evaluated: 2025-12-19. Review status: criteria provided, single submitter. Criteria: Invitae Variant Classification Sherloc (09022015). Collection method: clinical testing. Allele origin: germline.

Blueprint Genetics
Classification: Benign. Last evaluated: 2024-10-02. Review status: criteria provided, single submitter. Criteria: ACMG Guidelines, 2015. Collection method: clinical testing. Allele origin: germline.

Ambry Genetics
Classification: Uncertain significance for Familial thoracic aortic aneurysm and aortic dissection. Last evaluated: 2024-09-06. Review status: criteria provided, single submitter. Criteria: Ambry Variant Classification Scheme 2023. Collection method: clinical testing. Allele origin: germline.
Comment: The p.G152S variant (also known as c.454G>A), located in coding exon 4 of the NOTCH1 gene, results from a G to A substitution at nucleotide position 454. The glycine at codon 152 is replaced by serine, an amino acid with similar properties. This variant has been reported in a bicuspid aortic valve cohort (Dargis N et al. Am J Cardiol, 2016 Feb;117:420-6). This amino acid position is highly conserved in available vertebrate species. In addition, the in silico prediction for this alteration is inconclusive. Based on the available evidence, the clinical significance of this variant remains unclear.

Genome-Nilou Lab
Classification: Uncertain significance for Adams-Oliver syndrome 5. Last evaluated: 2022-03-15. Review status: criteria provided, single submitter. Criteria: ACMG Guidelines, 2015. Collection method: clinical testing. Allele origin: germline. Affected: no.

Genome-Nilou Lab
Classification: Uncertain significance for Aortic valve disease 1. Last evaluated: 2022-03-15. Review status: criteria provided, single submitter. Criteria: ACMG Guidelines, 2015. Collection method: clinical testing. Allele origin: germline. Affected: no.

CHEO Genetics Diagnostic Laboratory, Children's Hospital of Eastern Ontario
Classification: Uncertain significance for Familial thoracic aortic aneurysm and aortic dissection. Last evaluated: 2022-02-14. Review status: criteria provided, single submitter. Criteria: ACMG Guidelines, 2015. Collection method: clinical testing. Allele origin: germline.

GeneDx
Classification: Uncertain significance. Last evaluated: 2021-12-21. Review status: criteria provided, single submitter. Criteria: GeneDx Variant Classification Process June 2021. Collection method: clinical testing. Allele origin: germline. Affected: yes.
Comment: Reported in one individual with bicuspid aortic valve (Dargis et al., 2016); In silico analysis supports that this missense variant has a deleterious effect on protein structure/function; Reported in ClinVar as a variant of uncertain significance (ClinVar Variant ID#409074; Landrum et al., 2016); This variant is associated with the following publications: (PMID: 26708639)

PreventionGenetics, part of Exact Sciences
Classification: Uncertain significance for NOTCH1-related condition. Last evaluated: 2024-07-31. Review status: no assertion criteria provided. Collection method: clinical testing. Allele origin: germline. Not counted in ClinVar's aggregate classification.
Comment: The NOTCH1 c.454G>A variant is predicted to result in the amino acid substitution p.Gly152Ser. This variant has been reported in one individual with bicuspid aortic valve (BAV); however, the same study also reported that the variant was not significantly associated with BAV (Dargis et al. 2016. PubMed ID: 26708639). This variant is reported in 0.022% of alleles in individuals of African descent in gnomAD, which is likely too frequent to be a primary cause of disease. Although we suspect that this variant may be benign, at this time, the clinical significance of this variant is uncertain due to the absence of conclusive functional and genetic evidence.

Literature cited by the submitters: PubMed 26708639 (cited by Ambry Genetics).

NM_017617.5(NOTCH1):c.454G>A (p.Gly152Ser)

Gene: NOTCH1 (notch receptor 1; minus strand). Cytogenetic location: 9q34.3.
Variant type: single nucleotide variant.
Coding change: c.454G>A on transcript NM_017617.5 (MANE Select); coding-DNA position 454, G replaced by A.
Protein change: p.Gly152Ser; replaces glycine 152 with serine.
Molecular consequence: missense variant.
Genome position (GRCh38, 1-based): chr9:136,523,138, C>T on the plus strand (G>A on the coding strand, the complement: NOTCH1 is on the minus strand). VCF-style: chr9-136523138-C-T. GRCh37 (hg19) VCF-style: chr9-139417590-C-T.
Other names: c.454G>A (NM_017617.4); c.454G>A, p.Gly152Ser (LRG_1122t1); short protein forms G152S.
Identifiers: ClinVar variation 409074 (VCV000409074.19), dbSNP rs750242131, ClinGen allele CA5342147.